The following is an entry in ClinVar:

NM_005228.5(EGFR):c.-216G>T

Gene: EGFR (epidermal growth factor receptor; plus strand). Cytogenetic location: 7p11.2.
Variant type: single nucleotide variant.
Coding change: c.-216G>T on transcript NM_005228.5 (MANE Select); 216 bases upstream of the start codon, G replaced by T.
Molecular consequence: 5 prime UTR variant.
Genome position (GRCh38, 1-based): chr7:55,019,062, G>T. VCF-style: chr7-55019062-G-T. GRCh37 (hg19) VCF-style: chr7-55086755-G-T.
Other names: c.-216G>T (NM_001346897.2, NM_001346898.2, NM_001346899.2 and 5 more transcripts).
Identifiers: ClinVar variation 1246877 (VCV001246877.4), dbSNP rs712829, ClinGen allele CA10624122.

ClinVar aggregate classification (germline): Benign/Likely benign. Review status: criteria provided, multiple submitters, no conflicts (2 of 4 stars). 3 submissions from 3 submitters: Benign (2); Likely benign (1). Last evaluated 2023-07-07.

Conditions:
Lung cancer. Also called: Lung cancer, somatic; Malignant tumor of lung. Identifiers: MedGen C0242379, MONDO:0008903, OMIM 211980.

Allele frequency attached by ClinVar (database versions not stated): 1000 Genomes Project 0.22644; TOPMed 0.27883; gnomAD exomes 0.34692.
gnomAD v4.1: 82,564 of 265,078 alleles (31%); highest among the groups gnomAD compares: Middle Eastern, 51%; 14,066 homozygotes.

Submissions (3):

KCCC/NGS Laboratory, Kuwait Cancer Control Center
Classification: Likely benign for Lung cancer. Last evaluated: 2023-07-07. Review status: criteria provided, single submitter. Criteria: ACMG Guidelines, 2015. Collection method: clinical testing. Allele origin: germline. Affected: yes.

GeneDx
Classification: Benign. Last evaluated: 2019-01-10. Review status: criteria provided, single submitter. Criteria: GeneDx Variant Classification Process June 2021. Collection method: clinical testing. Allele origin: germline. Affected: yes.
Comment: This variant is associated with the following publications: (PMID: 24137392, 16885506, 20621735, 15665278, 21292812)

Breakthrough Genomics
Classification: Benign. Review status: criteria provided, single submitter. Criteria: ACMG Guidelines, 2015. Collection method: not provided. Allele origin: germline. Inheritance: Autosomal recessive inheritance. Affected: yes.